The following is an entry in ClinVar:

ClinVar aggregate classification (germline): Likely benign (1 of 4 stars; one submission).

Allele frequency attached by ClinVar (database versions not stated): ExAC 0.00001; gnomAD exomes 0.00001; TOPMed 0.00001.
gnomAD v4.1: 3 of 1,613,942 alleles (0.00019%); highest among the groups gnomAD compares: Non-Finnish European, 0.00025%; no homozygotes.

Submission:

CeGaT Center for Human Genetics Tuebingen
Classification: Likely benign. Last evaluated: 2023-05-01. Review status: criteria provided, single submitter. Criteria: CeGaT Center For Human Genetics Tuebingen Variant Classification Criteria Version 2. Collection method: clinical testing. Allele origin: germline. Affected: yes. Observed: 1 variant allele.
Comment: LAMB1: BP4, BP7

NM_002291.3(LAMB1):c.4989C>T (p.Ala1663=)

Gene: LAMB1 (laminin subunit beta 1; minus strand). Cytogenetic location: 7q31.1.
Variant type: single nucleotide variant.
Coding change: c.4989C>T on transcript NM_002291.3 (MANE Select); coding-DNA position 4989, C replaced by T.
Protein change: p.Ala1663=; no amino-acid change (alanine 1663 retained).
Molecular consequence: synonymous variant.
Genome position (GRCh38, 1-based): chr7:107,926,258, G>A on the plus strand (C>T on the coding strand, the complement: LAMB1 is on the minus strand). VCF-style: chr7-107926258-G-A. GRCh37 (hg19) VCF-style: chr7-107566703-G-A.
Identifiers: ClinVar variation 2657934 (VCV002657934.24), dbSNP rs745422743, ClinGen allele CA4434876.
Genomic context (GRCh38, chr7:107,926,258, plus strand): 5'-TGCACTTTGCTTCACAGTATATACTACTTTTTCAATATATTCTGCCTCCCCGGAGTTTTG[G>A]GCAGCTTTCCGCTTAAGTTCTTCCACATTCCTCTCTAACTCGCTGATGCGCTGGGACGCG-3'
Protein context (NP_002282.2, residues 1653-1673): RNVEELKRKA[Ala1663=]QNSGEAEYIE